The following is an entry in ClinVar:

NM_001111125.3(IQSEC2):c.4220G>C (p.Gly1407Ala)

Gene: IQSEC2 (IQ motif and Sec7 domain ArfGEF 2; minus strand). Cytogenetic location: Xp11.22.
Variant type: single nucleotide variant.
Coding change: c.4220G>C on transcript NM_001111125.3 (MANE Select); coding-DNA position 4220, G replaced by C.
Protein change: p.Gly1407Ala; replaces glycine 1407 with alanine.
Molecular consequence: missense variant. On other transcripts: 3 prime UTR variant (1).
Genome position (GRCh38, 1-based): chrX:53,234,466, C>G on the plus strand (G>C on the coding strand, the complement: IQSEC2 is on the minus strand). VCF-style: chrX-53234466-C-G. GRCh37 (hg19) VCF-style: chrX-53263648-C-G.
Other names: c.*705G>C (NM_015075.2); short protein forms G1407A.
Identifiers: ClinVar variation 1439407 (VCV001439407.6), dbSNP rs2147001280, ClinGen allele CA413139058.
Genomic context (GRCh38, chrX:53,234,466, plus strand): 5'-GGTGACAATGGTGACTGGGGGTGGTGGGGGTGGGAGTAGGAGCCCCCTGGTGGCCGGGAT[C>G]CAGGGCCCCCAGCCGCGCCTGCTGCTGGCATCATCTGTGGGTGGTGGCTGAAGATGAAGT-3'
Protein context (NP_001104595.1, residues 1397-1417): MPAAGAAGGP[Gly1407Ala]SRPPGGSYSH

ClinVar aggregate classification (germline): Uncertain significance (1 of 4 stars; one submission).

Conditions:
Intellectual developmental disorder, X-linked 1. Also called: Intellectual disability, X-linked 1; Atkin Flaitz Patil Smith syndrome; MENTAL RETARDATION, X-LINKED 18; MENTAL RETARDATION, X-LINKED 78. Identifiers: Orphanet 777, MedGen C2931498, MONDO:0010656, OMIM 309530.

Submission:

Labcorp Genetics (formerly Invitae), Labcorp
Classification: Uncertain significance for Intellectual developmental disorder, X-linked 1. Last evaluated: 2022-06-27. Review status: criteria provided, single submitter. Criteria: Invitae Variant Classification Sherloc (09022015). Collection method: clinical testing. Allele origin: germline.
Comment: In summary, the available evidence is currently insufficient to determine the role of this variant in disease. Therefore, it has been classified as a Variant of Uncertain Significance. Advanced modeling of protein sequence and biophysical properties (such as structural, functional, and spatial information, amino acid conservation, physicochemical variation, residue mobility, and thermodynamic stability) performed at Invitae indicates that this missense variant is not expected to disrupt IQSEC2 protein function. This variant has not been reported in the literature in individuals affected with IQSEC2-related conditions. This variant is not present in population databases (gnomAD no frequency). This sequence change replaces glycine, which is neutral and non-polar, with alanine, which is neutral and non-polar, at codon 1407 of the IQSEC2 protein (p.Gly1407Ala).